The following is an entry in ClinVar:

ClinVar aggregate classification (germline): Uncertain significance (1 of 4 stars; one submission).

Conditions:
Oligodontia-cancer predisposition syndrome. Also called: TOOTH AGENESIS-COLORECTAL CANCER SYNDROME. Identifiers: Orphanet 300576, MedGen C1837750, MONDO:0012075, OMIM 608615. Disease mechanism: loss of function.

Submission:

Labcorp Genetics (formerly Invitae), Labcorp
Classification: Uncertain significance for Oligodontia-cancer predisposition syndrome. Last evaluated: 2024-04-11. Review status: criteria provided, single submitter. Criteria: Invitae Variant Classification Sherloc (09022015). Collection method: clinical testing. Allele origin: germline.
Comment: This sequence change replaces glutamine, which is neutral and polar, with lysine, which is basic and polar, at codon 794 of the AXIN2 protein (p.Gln794Lys). This variant is not present in population databases (gnomAD no frequency). This variant has not been reported in the literature in individuals affected with AXIN2-related conditions. Advanced modeling of protein sequence and biophysical properties (such as structural, functional, and spatial information, amino acid conservation, physicochemical variation, residue mobility, and thermodynamic stability) performed at Invitae indicates that this missense variant is expected to disrupt AXIN2 protein function with a positive predictive value of 80%. In summary, the available evidence is currently insufficient to determine the role of this variant in disease. Therefore, it has been classified as a Variant of Uncertain Significance.

NM_004655.4(AXIN2):c.2380C>A (p.Gln794Lys)

Gene: AXIN2 (axin 2; minus strand). Cytogenetic location: 17q24.1.
Variant type: single nucleotide variant.
Coding change: c.2380C>A on transcript NM_004655.4 (MANE Select); coding-DNA position 2380, C replaced by A.
Protein change: p.Gln794Lys; replaces glutamine 794 with lysine.
Molecular consequence: missense variant.
Genome position (GRCh38, 1-based): chr17:65,533,937, G>T on the plus strand (C>A on the coding strand, the complement: AXIN2 is on the minus strand). VCF-style: chr17-65533937-G-T. GRCh37 (hg19) VCF-style: chr17-63530055-G-T.
Other names: c.2185C>A, p.Gln729Lys (NM_001363813.1); short protein forms Q729K, Q794K.
Identifiers: ClinVar variation 3671749 (VCV003671749.2).